The following is an entry in ClinVar:

NM_000152.5(GAA):c.1286_1311dup (p.Tyr438fs)

Gene: GAA (alpha glucosidase; plus strand). Cytogenetic location: 17q25.3.
Variant type: Duplication.
Coding change: c.1286_1311dup on transcript NM_000152.5 (MANE Select); coding-DNA positions 1286 to 1311, 26 bases duplicated (AGGAGCTGCACCAGGGCGGCCGGCGC).
Protein change: p.Tyr438fs; shifts the reading frame from tyrosine 438.
Molecular consequence: frameshift variant.
Genome position (GRCh38, 1-based): chr17:80,108,788-80,108,813, AGGAGCTGCACCAGGGCGGCCGGCGC duplicated; duplicating any 26 consecutive bases within chr17:80,108,786-80,108,813 gives the same sequence; the c. name uses the placement nearest the transcript's 3' end. VCF-style (leftmost placement, unchanged base first): chr17-80108785-T-TGCAGGAGCTGCACCAGGGCGGCCGGC. GRCh37 (hg19) VCF-style: chr17-78082584-T-TGCAGGAGCTGCACCAGGGCGGCCGGC.
Other names: c.1286_1311dup, p.Tyr438fs (NM_001079803.3, NM_001079804.3, NM_001406741.1 and 1 more transcripts); short protein forms Y438fs.
Identifiers: ClinVar variation 5005849 (VCV005005849.2).

ClinVar aggregate classification (germline): Likely pathogenic (1 of 4 stars; one submission).

Conditions:
Glycogen storage disease, type II (IOPD). Also called: CARDIOMEGALIA GLYCOGENICA DIFFUSA; Glucosidase acid-1,4-alpha deficiency; POMPE DISEASE, INFANTILE-ONSET; GLYCOGEN STORAGE DISEASE II, INFANTILE-ONSET; ACID ALPHA-GLUCOSIDASE DEFICIENCY, INFANTILE-ONSET; GAA DEFICIENCY, INFANTILE-ONSET. Identifiers: Orphanet 365, MedGen C0017921, MONDO:0009290, OMIM 232300.

Submission:

Juno Genomics, Hangzhou Juno Genomics, Inc
Classification: Likely pathogenic for Glycogen storage disease, type II. Review status: criteria provided, single submitter. Criteria: ACMG Guidelines, 2015. Collection method: clinical testing. Allele origin: germline.
Comment: Null variant in a gene where loss of function (LOF) is a known mechanism of disease.;Absent from controls (or at extremely low frequency if recessive) in Genome Aggregation Database.